The following is an entry in ClinVar:

ClinVar aggregate classification (germline): Uncertain significance (1 of 4 stars; one submission).

Conditions:
TP63-Related Spectrum Disorders.

Allele frequency attached by ClinVar (database versions not stated): gnomAD exomes below 0.00001.
gnomAD v4.1: 1 of 1,614,142 alleles (0.000062%); highest among the groups gnomAD compares: East Asian, 0.0022%; no homozygotes.

Submission:

Labcorp Genetics (formerly Invitae), Labcorp
Classification: Uncertain significance. Last evaluated: 2021-02-24. Review status: criteria provided, single submitter. Criteria: Invitae Variant Classification Sherloc (09022015). Collection method: clinical testing. Allele origin: germline.
Comment: This sequence change replaces asparagine with lysine at codon 483 of the TP63 protein (p.Asn483Lys). The asparagine residue is highly conserved and there is a moderate physicochemical difference between asparagine and lysine. This variant is not present in population databases (ExAC no frequency). This variant has not been reported in the literature in individuals with TP63-related conditions. Algorithms developed to predict the effect of missense changes on protein structure and function are either unavailable or do not agree on the potential impact of this missense change (SIFT: "Deleterious"; PolyPhen-2: "Benign"; Align-GVGD: "Class C0"). In summary, the available evidence is currently insufficient to determine the role of this variant in disease. Therefore, it has been classified as a Variant of Uncertain Significance.

NM_003722.5(TP63):c.1449C>A (p.Asn483Lys)

Gene: TP63 (tumor protein p63; plus strand). Cytogenetic location: 3q28.
Variant type: single nucleotide variant.
Coding change: c.1449C>A on transcript NM_003722.5 (MANE Select); coding-DNA position 1449, C replaced by A.
Protein change: p.Asn483Lys; replaces asparagine 483 with lysine.
Molecular consequence: missense variant.
Genome position (GRCh38, 1-based): chr3:189,886,493, C>A. VCF-style: chr3-189886493-C-A. GRCh37 (hg19) VCF-style: chr3-189604282-C-A.
Other names: c.1449C>A, p.Asn483Lys (NM_001114978.2, NM_001329144.2); c.1167C>A, p.Asn389Lys (NM_001114980.2, NM_001114981.2, NM_001329145.2); c.912C>A, p.Asn304Lys (NM_001329146.2); c.1437C>A, p.Asn479Lys (NM_001329148.2); c.1155C>A, p.Asn385Lys (NM_001329149.2); c.900C>A, p.Asn300Lys (NM_001329150.2); c.1443C>A, p.Asn481Lys (NM_001329964.2); short protein forms N479K, N300K, N385K, N389K, N481K, N304K, N483K.
Identifiers: ClinVar variation 1468358 (VCV001468358.7), dbSNP rs2108854448, ClinGen allele CA355757460.